The following is an entry in ClinVar:

ClinVar aggregate classification (germline): Pathogenic/Likely pathogenic. Review status: criteria provided, multiple submitters, no conflicts (2 of 4 stars). 3 submissions from 3 submitters: Pathogenic (1); Likely pathogenic (1). 1 of the submissions does not count toward it. Last evaluated 2026-01-05.

Conditions:
Immunodeficiency 51 (IMD51). Also called: CANDIDIASIS, FAMILIAL, 5. Identifiers: Orphanet 1334, MedGen C4310803, MONDO:0013500, OMIM 613953.
IL17RA-related disorders.

gnomAD v4.1: 4 of 1,614,216 alleles (0.00025%); highest among the groups gnomAD compares: Admixed American, 0.005%; no homozygotes.

Submissions (3):

Labcorp Genetics (formerly Invitae), Labcorp
Classification: Pathogenic for Immunodeficiency 51. Last evaluated: 2026-01-05. Review status: criteria provided, single submitter. Criteria: Invitae Variant Classification Sherloc (09022015). Collection method: clinical testing. Allele origin: germline.
Comment: This sequence change creates a premature translational stop signal (p.Arg66*) in the IL17RA gene. It is expected to result in an absent or disrupted protein product. Loss-of-function variants in IL17RA are known to be pathogenic (PMID: 27930337). This variant is present in population databases (no rsID available, gnomAD 0.0009%). This premature translational stop signal has been observed in individual(s) with IL17RA deficiency (PMID: 27930337). It has also been observed to segregate with disease in related individuals. ClinVar contains an entry for this variant (Variation ID: 372206). For these reasons, this variant has been classified as Pathogenic.

Blueprint Genetics
Classification: Likely pathogenic for IL17RA-related disorders. Last evaluated: 2019-03-22. Review status: criteria provided, single submitter. Criteria: ACMG Guidelines, 2015. Collection method: clinical testing. Allele origin: germline. Affected: yes. Observed: 1 variant allele.

OMIM
Classification: Pathogenic for IMMUNODEFICIENCY 51. Last evaluated: 2016-12-19. Review status: no assertion criteria provided. Collection method: literature only. Allele origin: germline. Not counted in ClinVar's aggregate classification.

Literature cited by the submitters: PubMed 27930337 (cited by Labcorp Genetics (formerly Invitae), Labcorp and OMIM).

NM_014339.7(IL17RA):c.196C>T (p.Arg66Ter)

Gene: IL17RA (interleukin 17 receptor A; plus strand). Cytogenetic location: 22q11.1.
Variant type: single nucleotide variant.
Coding change: c.196C>T on transcript NM_014339.7 (MANE Select); coding-DNA position 196, C replaced by T.
Protein change: p.Arg66Ter; replaces arginine 66 with a stop codon.
Molecular consequence: nonsense.
Genome position (GRCh38, 1-based): chr22:17,097,829, C>T. VCF-style: chr22-17097829-C-T. GRCh37 (hg19) VCF-style: chr22-17578719-C-T.
Other names: c.196C>T, p.Arg66Ter (NM_001289905.2); short protein forms R66*.
Identifiers: ClinVar variation 372206 (VCV000372206.9), dbSNP rs1057518745, ClinGen allele CA16042240.